The following is an entry in ClinVar:

NM_001039.4(SCNN1G):c.1187A>G (p.His396Arg)

Gene: SCNN1G (sodium channel epithelial 1 subunit gamma; plus strand). Cytogenetic location: 16p12.2.
Variant type: single nucleotide variant.
Coding change: c.1187A>G on transcript NM_001039.4 (MANE Select); coding-DNA position 1187, A replaced by G.
Protein change: p.His396Arg; replaces histidine 396 with arginine.
Molecular consequence: missense variant.
Genome position (GRCh38, 1-based): chr16:23,212,044, A>G. VCF-style: chr16-23212044-A-G. GRCh37 (hg19) VCF-style: chr16-23223365-A-G.
Other names: short protein forms H396R.
Identifiers: ClinVar variation 318355 (VCV000318355.7), dbSNP rs202142122, ClinGen allele CA7959806.
Genomic context (GRCh38, chr16:23,212,044, plus strand): 5'-GACATCCCTGAGCAAAGACATGAATGGCATTCCTGGGTCTCCTCTTTCAGATCTGCCTTC[A>G]TTCATGCTTCCAGACAAAGATGGTGGAGAAATGTGGGTGTGCCCAGTACAGCCAGCCTCT-3'
Protein context (NP_001030.2, residues 386-406): NAAYSLQICL[His396Arg]SCFQTKMVEK

ClinVar aggregate classification (germline): Uncertain significance. Review status: criteria provided, multiple submitters, no conflicts (2 of 4 stars). 4 submissions from 3 submitters: Uncertain significance (4). Last evaluated 2021-11-04.

Conditions:
Bronchiectasis with or without elevated sweat chloride 3 (BESC3). Identifiers: Orphanet 60033, MedGen C2751324, MONDO:0013112, OMIM 613071.
Liddle syndrome 2. Identifiers: MedGen C4748251, MONDO:0020854, OMIM 618114.
Pseudohypoaldosteronism, type IB1, autosomal recessive. Also called: Pseudohypoaldosteronism, Type I, Autosomal Recessive; PHA I, AUTOSOMAL RECESSIVE; Pseudohypoaldosteronism, Type I, Recessive; Autosomal recessive pseudohypoaldosteronism type 1. Identifiers: Orphanet 171876, Orphanet 756, MedGen C5774176, MONDO:0009917, OMIM 264350.

Allele frequency attached by ClinVar (database versions not stated): ExAC 0.00001; gnomAD 0.00001; gnomAD exomes 0.00001 and 0.00002; TOPMed 0.00005; 1000 Genomes Project 30x 0.00016.
gnomAD v4.1: 31 of 1,612,632 alleles (0.0019%); highest among the groups gnomAD compares: Non-Finnish European, 0.0024%; no homozygotes.

Submissions (4):

Fulgent Genetics
Classification: Uncertain significance for Pseudohypoaldosteronism, type IB1, autosomal recessive; Bronchiectasis with or without elevated sweat chloride 3; Liddle syndrome 2. Last evaluated: 2021-11-04. Review status: criteria provided, single submitter. Criteria: ACMG Guidelines, 2015. Collection method: clinical testing. Allele origin: unknown.

Baylor Genetics
Classification: Uncertain significance for Bronchiectasis with or without elevated sweat chloride 3. Last evaluated: 2019-03-04. Review status: criteria provided, single submitter. Criteria: ACMG Guidelines, 2015. Collection method: clinical testing. Allele origin: paternal. Affected: yes.
Comment: This variant was determined to be of uncertain significance according to ACMG Guidelines, 2015 [PMID:25741868].

Illumina Laboratory Services, Illumina
Classification: Uncertain significance for Liddle syndrome 2. Last evaluated: 2018-01-13. Review status: criteria provided, single submitter. Criteria: ICSL Variant Classification Criteria 13 December 2019. Collection method: clinical testing. Allele origin: germline.

Illumina Laboratory Services, Illumina
Classification: Uncertain significance for Pseudohypoaldosteronism, type IB1, autosomal recessive. Last evaluated: 2018-01-13. Review status: criteria provided, single submitter. Criteria: ICSL Variant Classification Criteria 13 December 2019. Collection method: clinical testing. Allele origin: germline.